The following is an entry in ClinVar:

ClinVar aggregate classification (germline): Pathogenic/Likely pathogenic. Review status: criteria provided, multiple submitters, no conflicts (2 of 4 stars). 2 submissions from 2 submitters: Pathogenic (1); Likely pathogenic (1). Last evaluated 2023-04-26.

Conditions:
Familial adenomatous polyposis 1 (FAP1). Also called: POLYPOSIS, ADENOMATOUS INTESTINAL; FAMILIAL ADENOMATOUS POLYPOSIS 1, ATTENUATED. Identifiers: MedGen C2713442, MONDO:0021056, OMIM 175100. Disease mechanism: loss of function.

Allele frequency attached by ClinVar (database versions not stated): ExAC 0.00002.

Submissions (2):

Myriad Genetics, Inc.
Classification: Likely pathogenic for Familial adenomatous polyposis 1. Last evaluated: 2023-04-26. Review status: criteria provided, single submitter. Criteria: Myriad Autosomal Dominant, Autosomal Recessive and X-Linked Classification Criteria (2023). Collection method: clinical testing. Allele origin: unknown.
Comment: This variant is considered likely pathogenic. This variant occurs within a consensus splice junction and is predicted to result in abnormal mRNA splicing of either an out-of-frame exon or an in-frame exon necessary for protein stability and/or normal function.

Labcorp Genetics (formerly Invitae), Labcorp
Classification: Pathogenic for Familial adenomatous polyposis 1. Last evaluated: 2021-09-15. Review status: criteria provided, single submitter. Criteria: Invitae Variant Classification Sherloc (09022015). Collection method: clinical testing. Allele origin: germline.
Comment: Disruption of this splice site has been observed in individuals with familial adenomatous polyposis (PMID: 9950360, 10083733, 20223039, 20333795, 20685668; Invitae). For these reasons, this variant has been classified as Pathogenic. Algorithms developed to predict the effect of sequence changes on RNA splicing suggest that this variant may disrupt the consensus splice site. The frequency data for this variant in the population databases is considered unreliable, as metrics indicate poor data quality at this position in the ExAC database. This sequence change affects an acceptor splice site in intron 5 of the APC gene. It is expected to disrupt RNA splicing. Variants that disrupt the donor or acceptor splice site typically lead to a loss of protein function (PMID: 16199547), and loss-of-function variants in APC are known to be pathogenic (PMID: 17963004, 20685668).

Literature cited by the submitters: PubMed 9950360 (cited by Labcorp Genetics (formerly Invitae), Labcorp); PubMed 10083733 (cited by Labcorp Genetics (formerly Invitae), Labcorp); PubMed 20223039 (cited by Labcorp Genetics (formerly Invitae), Labcorp); PubMed 20333795 (cited by Labcorp Genetics (formerly Invitae), Labcorp); PubMed 20685668 (cited by Labcorp Genetics (formerly Invitae), Labcorp); PubMed 16199547 (cited by Labcorp Genetics (formerly Invitae), Labcorp); PubMed 17963004 (cited by Labcorp Genetics (formerly Invitae), Labcorp).

NM_000038.6(APC):c.532-2A>T

Gene: APC (APC regulator of Wnt signaling pathway; plus strand). Cytogenetic location: 5q22.2.
Variant type: single nucleotide variant.
Coding change: c.532-2A>T on transcript NM_000038.6 (MANE Select); the canonical splice acceptor site of the intron before coding-DNA position 532, A replaced by T.
Molecular consequence: splice acceptor variant.
Genome position (GRCh38, 1-based): chr5:112,780,788, A>T. VCF-style: chr5-112780788-A-T. GRCh37 (hg19) VCF-style: chr5-112116485-A-T.
Other names: c.-504-2A>T (NM_001407470.1, NM_001407472.1, NM_001354906.2 and 1 more transcripts); c.532-2A>T (NM_001407447.1, NM_001354895.2, NM_001407456.1 and 16 more transcripts); c.562-2A>T (NM_001407446.1, NM_001354897.2, NM_001354902.2 and 1 more transcripts); c.355-2A>T (NM_001407453.1, NM_001354900.2, NM_001354901.2 and 1 more transcripts); c.457-2A>T (NM_001407451.1, NM_001354898.2, NM_001354904.2).
Identifiers: ClinVar variation 1459065 (VCV001459065.7), dbSNP rs752152148, ClinGen allele CA041465.
Genomic context (GRCh38, chr5:112,780,788, plus strand): 5'-TTGCTTTTACTGATTAACGTAAATACAAGATATTGATACTTTTTTATTATTTGTGGTTTT[A>T]GTTTTCCTTACAAACAGATATGACCAGAAGGCAATTGGAATATGAAGCAAGGCAAATCAG-3'